The following is an entry in ClinVar:

ClinVar aggregate classification (germline): Uncertain significance. Review status: criteria provided, multiple submitters, no conflicts (2 of 4 stars). 3 submissions from 3 submitters: Uncertain significance (3). Last evaluated 2023-12-19.

Conditions:
Mitochondrial DNA depletion syndrome 13. Also called: FBXL4-Related Encephalomyopathic Mitochondrial DNA Depletion Syndrome; Mitochondrial DNA depletion syndrome 13 (encephalomyopathic type). Identifiers: Orphanet 369897, MedGen C3809592, MONDO:0014198, OMIM 615471.

Allele frequency attached by ClinVar (database versions not stated): TOPMed below 0.00001; gnomAD 0.00006; gnomAD exomes 0.00010; ExAC 0.00012.
gnomAD v4.1: 76 of 1,613,254 alleles (0.0047%); highest among the groups gnomAD compares: Non-Finnish European, 0.0027%; no homozygotes.

Submissions (3):

Mayo Clinic Laboratories, Mayo Clinic
Classification: Uncertain significance. Last evaluated: 2023-12-19. Review status: criteria provided, single submitter. Criteria: ACMG Guidelines, 2015. Collection method: clinical testing. Allele origin: germline. Observed: 2 variant alleles.

Labcorp Genetics (formerly Invitae), Labcorp
Classification: Uncertain significance. Last evaluated: 2022-09-27. Review status: criteria provided, single submitter. Criteria: Invitae Variant Classification Sherloc (09022015). Collection method: clinical testing. Allele origin: germline.
Comment: This sequence change replaces tyrosine, which is neutral and polar, with cysteine, which is neutral and slightly polar, at codon 467 of the FBXL4 protein (p.Tyr467Cys). This variant is present in population databases (rs761551398, gnomAD 0.06%). This variant has not been reported in the literature in individuals affected with FBXL4-related conditions. ClinVar contains an entry for this variant (Variation ID: 437754). Advanced modeling of protein sequence and biophysical properties (such as structural, functional, and spatial information, amino acid conservation, physicochemical variation, residue mobility, and thermodynamic stability) performed at Invitae indicates that this missense variant is not expected to disrupt FBXL4 protein function. In summary, the available evidence is currently insufficient to determine the role of this variant in disease. Therefore, it has been classified as a Variant of Uncertain Significance.

Wong Mito Lab, Molecular and Human Genetics, Baylor College of Medicine
Classification: Uncertain significance for Mitochondrial DNA depletion syndrome 13. Last evaluated: 2017-08-10. Review status: criteria provided, single submitter. Criteria: ACMG Guidelines, 2015. Collection method: reference population. Allele origin: germline.
Comment: The NM_012160.4:c.1400A>G (NP_036292.2:p.Tyr467Cys) [GRCH38: NC_000006.12:g.98875717T>C] variant in FBXL4 gene is interpretated to be a Uncertain Significance - Insufficient Evidence based on ACMG guidelines (PMID: 25741868). This variant meets one or more of the following evidence codes reported in the ACMG-guideline. PM2:This variant is absent in key population databases. Based on this evidence code ClinGen Pathogenicity Calculator (PMID:28081714) suggested that the variant is Uncertain Significance - Insufficient Evidence.

NM_001278716.2(FBXL4):c.1400A>G (p.Tyr467Cys)

Gene: FBXL4 (F-box and leucine rich repeat protein 4; minus strand). Cytogenetic location: 6q16.1.
Variant type: single nucleotide variant.
Coding change: c.1400A>G on transcript NM_001278716.2 (MANE Select); coding-DNA position 1400, A replaced by G.
Protein change: p.Tyr467Cys; replaces tyrosine 467 with cysteine.
Molecular consequence: missense variant. On other transcripts: non-coding transcript variant (1).
Genome position (GRCh38, 1-based): chr6:98,875,717, T>C on the plus strand (A>G on the coding strand, the complement: FBXL4 is on the minus strand). VCF-style: chr6-98875717-T-C. GRCh37 (hg19) VCF-style: chr6-99323593-T-C.
Other names: p.Tyr467Cys; c.1400A>G, p.Tyr467Cys (NM_012160.5); short protein forms Y467C.
Identifiers: ClinVar variation 437754 (VCV000437754.4), dbSNP rs761551398, ClinGen allele CA3933444.